The following is an entry in ClinVar:

NM_018263.6(ASXL2):c.1609A>G (p.Ile537Val)

Gene: ASXL2 (ASXL transcriptional regulator 2; minus strand). Cytogenetic location: 2p23.3.
Variant type: single nucleotide variant.
Coding change: c.1609A>G on transcript NM_018263.6 (MANE Select); coding-DNA position 1609, A replaced by G.
Protein change: p.Ile537Val; replaces isoleucine 537 with valine.
Molecular consequence: missense variant.
Genome position (GRCh38, 1-based): chr2:25,749,947, T>C on the plus strand (A>G on the coding strand, the complement: ASXL2 is on the minus strand). VCF-style: chr2-25749947-T-C. GRCh37 (hg19) VCF-style: chr2-25972816-T-C.
Other names: c.1435A>G, p.Ile479Val (NM_001369346.1); c.829A>G, p.Ile277Val (NM_001369347.1); short protein forms I277V, I537V, I479V.
Identifiers: ClinVar variation 787000 (VCV000787000.12), dbSNP rs139975547, ClinGen allele CA1557792.

ClinVar aggregate classification (germline): Likely benign. Review status: criteria provided, multiple submitters, no conflicts (2 of 4 stars). 3 submissions from 3 submitters: Likely benign (2). 1 of the submissions does not count toward it. Last evaluated 2025-08-04.

Conditions:
ASXL2-related disorder. Also called: ASXL2-related condition.

Allele frequency attached by ClinVar (database versions not stated): gnomAD exomes 0.00008 and 0.00019; ExAC 0.00024; ESP Exome Variant Server 0.00050; gnomAD 0.00064 and 0.00071; TOPMed 0.00069; 1000 Genomes Project 0.00100; 1000 Genomes Project 30x 0.00125.
gnomAD v4.1: 214 of 1,614,018 alleles (0.013%); highest among the groups gnomAD compares: African/African-American, 0.26%; no homozygotes.

Submissions (3):

Labcorp Genetics (formerly Invitae), Labcorp
Classification: Likely benign. Last evaluated: 2025-08-04. Review status: criteria provided, single submitter. Criteria: Invitae Variant Classification Sherloc (09022015). Collection method: clinical testing. Allele origin: germline.

Breakthrough Genomics
Classification: Likely benign. Review status: criteria provided, single submitter. Criteria: ACMG Guidelines, 2015. Collection method: not provided. Allele origin: germline. Inheritance: Autosomal dominant inheritance. Affected: yes.

PreventionGenetics, part of Exact Sciences
Classification: Likely benign for ASXL2-related condition. Last evaluated: 2020-06-10. Review status: no assertion criteria provided. Collection method: clinical testing. Allele origin: germline. Not counted in ClinVar's aggregate classification.
Comment: This variant is classified as likely benign based on ACMG/AMP sequence variant interpretation guidelines (Richards et al. 2015 PMID: 25741868, with internal and published modifications).